The following is an entry in ClinVar:

NM_033305.3(VPS13A):c.7806+6A>G

Gene: VPS13A (vacuolar protein sorting 13 homolog A; plus strand). Cytogenetic location: 9q21.2.
Variant type: single nucleotide variant.
Coding change: c.7806+6A>G on transcript NM_033305.3 (MANE Select); 6 bases into the intron after coding-DNA position 7806, A replaced by G.
Molecular consequence: intron variant.
Genome position (GRCh38, 1-based): chr9:77,356,873, A>G. VCF-style: chr9-77356873-A-G. GRCh37 (hg19) VCF-style: chr9-79971789-A-G.
Other names: p.?; c.7689+6A>G (NM_001018037.2); c.7806+6A>G (NM_015186.4, NM_001018038.3).
Identifiers: ClinVar variation 367416 (VCV000367416.23), dbSNP rs74810255, ClinGen allele CA5093429.
Genomic context (GRCh38, chr9:77,356,873, plus strand): 5'-TACTGAATCTTCTCCTTCAGAAGATAAGGTTATTCAGTTGGACACTAATGTTCCGGTAAT[A>G]TTTTTAAGTACTGATGTGAAGTTTTAATTTTTTGCCTGTCGTAGTTTGGTGAATCACTAG-3'

ClinVar aggregate classification (germline): Benign. Review status: criteria provided, multiple submitters, no conflicts (2 of 4 stars). 7 submissions from 7 submitters: Benign (6). 1 of the submissions does not count toward it. Last evaluated 2026-02-03.

Conditions:
VPS13A-related neurodegenerative disease. Also called: Choreoacanthocytosis; Chorea-acanthocytosis; LEVINE-CRITCHLEY SYNDROME; Choreaacanthocytosis; ACANTHOCYTOSIS WITH NEUROLOGIC DISORDER; VPS13A Disease. Identifiers: Orphanet 2388, MedGen C0393576, MONDO:0008695, OMIM 200150.

Allele frequency attached by ClinVar (database versions not stated): gnomAD exomes 0.00119 and 0.00299; ExAC 0.00371; 1000 Genomes Project 0.01138; gnomAD 0.01140 and 0.01231; 1000 Genomes Project 30x 0.01156; ESP Exome Variant Server 0.01238; TOPMed 0.01309.
gnomAD v4.1: 3,591 of 1,613,476 alleles (0.22%); highest among the groups gnomAD compares: African/African-American, 3.9%; 71 homozygotes.

Submissions (7):

Labcorp Genetics (formerly Invitae), Labcorp
Classification: Benign. Last evaluated: 2026-02-03. Review status: criteria provided, single submitter. Criteria: Invitae Variant Classification Sherloc (09022015). Collection method: clinical testing. Allele origin: germline.

Mayo Clinic Laboratories, Mayo Clinic
Classification: Benign. Last evaluated: 2025-03-21. Review status: criteria provided, single submitter. Criteria: ACMG Guidelines, 2015. Collection method: clinical testing. Allele origin: germline. Observed: 1 variant allele.
Comment: BA1

Athena Diagnostics
Classification: Benign. Last evaluated: 2025-01-03. Review status: criteria provided, single submitter. Criteria: Athena Diagnostics Criteria. Collection method: clinical testing. Allele origin: unknown.
Comment: The frequency of this variant in the general population is higher than would generally be expected for pathogenic variants in this gene.

GeneDx
Classification: Benign. Last evaluated: 2018-11-12. Review status: criteria provided, single submitter. Criteria: GeneDx Variant Classification Process June 2021. Collection method: clinical testing. Allele origin: germline. Affected: yes.

Illumina Laboratory Services, Illumina
Classification: Benign for VPS13A-related neurodegenerative disease. Last evaluated: 2018-01-12. Review status: criteria provided, single submitter. Criteria: ICSL Variant Classification Criteria 13 December 2019. Collection method: clinical testing. Allele origin: germline.
Comment: This variant was observed in the ICSL laboratory as part of a predisposition screen in an ostensibly healthy population. It had not been previously curated by ICSL or reported in the Human Gene Mutation Database (HGMD: prior to June 1st, 2018), and was therefore a candidate for classification through an automated scoring system. Utilizing variant allele frequency, disease prevalence and penetrance estimates, and inheritance mode, an automated score was calculated to assess if this variant is too frequent to cause the disease. Based on the score and internal cut-off values, a variant classified as benign is not then subjected to further curation. The score for this variant resulted in a classification of benign for this disease.

Breakthrough Genomics
Classification: Benign. Review status: criteria provided, single submitter. Criteria: ACMG Guidelines, 2015. Collection method: not provided. Allele origin: germline. Inheritance: Autosomal recessive inheritance. Affected: yes.

Natera, Inc.
Classification: Benign for Choreaacanthocytosis. Last evaluated: 2020-09-16. Review status: no assertion criteria provided. Collection method: clinical testing. Allele origin: germline. Not counted in ClinVar's aggregate classification.